The following is an entry in ClinVar:

ClinVar aggregate classification (germline): Pathogenic/Likely pathogenic. Review status: criteria provided, multiple submitters, no conflicts (2 of 4 stars). 2 submissions from 2 submitters: Pathogenic (1); Likely pathogenic (1). Last evaluated 2022-09-19.

Conditions:
Schimke immuno-osseous dysplasia (SIOD). Also called: Schimke Immunoosseous Dysplasia. Identifiers: Orphanet 1830, MedGen C0877024, MONDO:0009458, OMIM 242900.

Submissions (2):

Labcorp Genetics (formerly Invitae), Labcorp
Classification: Pathogenic for Schimke immuno-osseous dysplasia. Last evaluated: 2022-09-19. Review status: criteria provided, single submitter. Criteria: Invitae Variant Classification Sherloc (09022015). Collection method: clinical testing. Allele origin: germline.
Comment: For these reasons, this variant has been classified as Pathogenic. Variants that disrupt the consensus splice site are a relatively common cause of aberrant splicing (PMID: 17576681, 9536098). Studies have shown that this variant results in skipping of exon 13 and introduces a premature termination codon (PMID: 31275356). The resulting mRNA is expected to undergo nonsense-mediated decay. ClinVar contains an entry for this variant (Variation ID: 1488622). This variant has been observed in individual(s) with Schimke immunoosseous dysplasia (PMID: 31275356, 32393263). In at least one individual the data is consistent with being in trans (on the opposite chromosome) from a pathogenic variant. This variant is not present in population databases (gnomAD no frequency). This sequence change falls in intron 13 of the SMARCAL1 gene. It does not directly change the encoded amino acid sequence of the SMARCAL1 protein. RNA analysis indicates that this variant induces altered splicing and may result in an absent or disrupted protein product.

Juno Genomics, Hangzhou Juno Genomics, Inc
Classification: Likely pathogenic for Schimke immuno-osseous dysplasia. Review status: criteria provided, single submitter. Criteria: ACMG Guidelines, 2015. Collection method: clinical testing. Allele origin: germline.
Comment: Absent from controls (or at extremely low frequency if recessive) in Genome Aggregation Database.;Multiple lines of computational evidence support a deleterious effect on the gene or gene product.;For recessive disorders, detected in trans with a pathogenic variant.;Patient's phenotype or family history is highly specific for a disease with a single genetic etiology.

Literature cited by the submitters: PubMed 17576681 (cited by Labcorp Genetics (formerly Invitae), Labcorp); PubMed 9536098 (cited by Labcorp Genetics (formerly Invitae), Labcorp); PubMed 31275356 (cited by Labcorp Genetics (formerly Invitae), Labcorp); PubMed 32393263 (cited by Labcorp Genetics (formerly Invitae), Labcorp).

NM_014140.4(SMARCAL1):c.2141+5G>A

Gene: SMARCAL1 (SNF2 related chromatin remodeling annealing helicase 1; plus strand). Cytogenetic location: 2q35.
Variant type: single nucleotide variant.
Coding change: c.2141+5G>A on transcript NM_014140.4 (MANE Select); 5 bases into the intron after coding-DNA position 2141, G replaced by A.
Molecular consequence: intron variant.
Genome position (GRCh38, 1-based): chr2:216,464,672, G>A. VCF-style: chr2-216464672-G-A. GRCh37 (hg19) VCF-style: chr2-217329395-G-A.
Other names: c.2141+5G>A (NM_001127207.2).
Identifiers: ClinVar variation 1488622 (VCV001488622.11), dbSNP rs2106073127, ClinGen allele CA1139768494.